The following is an entry in ClinVar:

ClinVar aggregate classification (germline): Likely pathogenic (1 of 4 stars; one submission).

gnomAD v4.1: 1 of 1,613,708 alleles (0.000062%); highest among the groups gnomAD compares: Non-Finnish European, 0.000085%; no homozygotes.

Submission:

GeneDx
Classification: Likely pathogenic. Last evaluated: 2013-09-27. Review status: criteria provided, single submitter. Criteria: GeneDx Variant Classification (06012015). Collection method: clinical testing. Allele origin: germline. Affected: yes.
Comment: p.Ala289Glu (GCA>GAA): c.866 C>A in exon 8 of the AUH gene (NM_001698.2). The A289E missense change has not been published as a mutation, nor has it been reported as a benign polymorphism to our knowledge. The amino acid change is non-conservative in that a small, uncharged Alanine residue is replaced by a large, negatively charged Glutamic Acid residue. This change occurs at a highly conserved position in the AUH protein, and multiple in-silico analysis programs predict that A289E is damaging to the AUH protein. Therefore, A289E is a strong candidate for a disease-causing mutation, however the possibility that it is a benign variant cannot be excluded. The variant is found in MITONUC-MITOP panel(s).

NM_001698.3(AUH):c.866C>A (p.Ala289Glu)

Gene: AUH (AU RNA binding methylglutaconyl-CoA hydratase; minus strand). Cytogenetic location: 9q22.31.
Variant type: single nucleotide variant.
Coding change: c.866C>A on transcript NM_001698.3 (MANE Select); coding-DNA position 866, C replaced by A.
Protein change: p.Ala289Glu; replaces alanine 289 with glutamic acid.
Molecular consequence: missense variant.
Genome position (GRCh38, 1-based): chr9:91,217,305, G>T on the plus strand (C>A on the coding strand, the complement: AUH is on the minus strand). VCF-style: chr9-91217305-G-T. GRCh37 (hg19) VCF-style: chr9-93979587-G-T.
Other names: p.A289E:GCA>GAA; c.779C>A, p.Ala260Glu (NM_001306190.2); c.539C>A, p.Ala180Glu (NM_001351431.2, NM_001351432.2, NM_001351433.2); short protein forms A289E, A180E, A260E.
Identifiers: ClinVar variation 214150 (VCV000214150.2), dbSNP rs863223913, ClinGen allele CA322160.